The following is an entry in ClinVar:

ClinVar aggregate classification (germline): Likely pathogenic. Review status: criteria provided, multiple submitters, no conflicts (2 of 4 stars). 2 submissions from 2 submitters: Likely pathogenic (2). Last evaluated 2025-12-26.

Conditions:
Congenital disorder of glycosylation with defective fucosylation 2 (CDGF2). Identifiers: MedGen C5193028, MONDO:0020777, OMIM 618324.

gnomAD v4.1: 16 of 1,613,066 alleles (0.00099%); highest among the groups gnomAD compares: Middle Eastern, 0.017%; no homozygotes.

Submissions (2):

First Genomix Gene Laboratory, Genetic Diagnostics Department
Classification: Likely pathogenic for Congenital disorder of glycosylation with defective fucosylation 2. Last evaluated: 2025-12-26. Review status: criteria provided, single submitter. Criteria: ACMG Guidelines, 2015. Collection method: clinical testing. Allele origin: germline. Inheritance: Autosomal recessive inheritance. Affected: no. Observed: 1 variant allele.

Department of Pathology and Laboratory Medicine, Sinai Health System
Classification: Likely pathogenic for Congenital disorder of glycosylation with defective fucosylation 2. Last evaluated: 2023-01-26. Review status: criteria provided, single submitter. Criteria: ACMG Guidelines, 2015. Collection method: research. Allele origin: germline.

NM_145059.3(FCSK):c.412-2A>G

Gene: FCSK (fucose kinase; plus strand). Cytogenetic location: 16q22.1.
Variant type: single nucleotide variant.
Coding change: c.412-2A>G on transcript NM_145059.3 (MANE Select); the canonical splice acceptor site of the intron before coding-DNA position 412, A replaced by G.
Molecular consequence: splice acceptor variant.
Genome position (GRCh38, 1-based): chr16:70,466,880, A>G. VCF-style: chr16-70466880-A-G. GRCh37 (hg19) VCF-style: chr16-70500783-A-G.
Identifiers: ClinVar variation 3779649 (VCV003779649.2).